The following is an entry in ClinVar:

ClinVar aggregate classification (germline): Likely pathogenic (1 of 4 stars; one submission).

Conditions:
Early-infantile DEE. Also called: Early infantile epileptic encephalopathy; Early infantile epileptic encephalopathy with suppression bursts; Ohtahara syndrome. Identifiers: Orphanet 1934, MedGen C0393706, MONDO:0800491.

Submission:

Labcorp Genetics (formerly Invitae), Labcorp
Classification: Likely pathogenic for Early-infantile DEE. Last evaluated: 2017-11-21. Review status: criteria provided, single submitter. Criteria: Invitae Variant Classification Sherloc (09022015). Collection method: clinical testing. Allele origin: germline.
Comment: This sequence change replaces lysine with glutamic acid at codon 2338 of the SPTAN1 protein (p.Lys2338Glu). The lysine residue is highly conserved and there is a small physicochemical difference between lysine and glutamic acid. This variant has been observed to be de novo in individuals affected with epilepsy (Invitae). This variant is not present in population databases (ExAC no frequency). In summary, the currently available evidence indicates that the variant is pathogenic, but additional data are needed to prove that conclusively. Therefore, this variant has been classified as Likely Pathogenic. Algorithms developed to predict the effect of missense changes on protein structure and function do not agree on the potential impact of this missense change (SIFT: "Deleterious"; PolyPhen-2: "Benign"; Align-GVGD: "Class C55").

NM_001130438.3(SPTAN1):c.7012A>G (p.Lys2338Glu)

Gene: SPTAN1 (spectrin alpha, non-erythrocytic 1; plus strand). Cytogenetic location: 9q34.11.
Variant type: single nucleotide variant.
Coding change: c.7012A>G on transcript NM_001130438.3 (MANE Select); coding-DNA position 7012, A replaced by G.
Protein change: p.Lys2338Glu; replaces lysine 2338 with glutamic acid.
Molecular consequence: missense variant.
Genome position (GRCh38, 1-based): chr9:128,632,483, A>G. VCF-style: chr9-128632483-A-G. GRCh37 (hg19) VCF-style: chr9-131394762-A-G.
Other names: c.6937A>G, p.Lys2313Glu (NM_001195532.2); c.7075A>G, p.Lys2359Glu (NM_001363759.2); c.6952A>G, p.Lys2318Glu (NM_001363765.2); c.6997A>G, p.Lys2333Glu (NM_003127.4); short protein forms K2338E, K2313E, K2318E, K2333E, K2359E.
Identifiers: ClinVar variation 530483 (VCV000530483.9), dbSNP rs1554769099, ClinGen allele CA375099898.